The following is an entry in ClinVar:

NM_000541.5(SAG):c.154G>C (p.Asp52His)

Gene: SAG (S-antigen visual arrestin; plus strand). Cytogenetic location: 2q37.1.
Variant type: single nucleotide variant.
Coding change: c.154G>C on transcript NM_000541.5 (MANE Select); coding-DNA position 154, G replaced by C.
Protein change: p.Asp52His; replaces aspartic acid 52 with histidine.
Molecular consequence: missense variant.
Genome position (GRCh38, 1-based): chr2:233,318,768, G>C. VCF-style: chr2-233318768-G-C. GRCh37 (hg19) VCF-style: chr2-234227414-G-C.
Other names: short protein forms D52H.
Identifiers: ClinVar variation 837117 (VCV000837117.12), dbSNP rs200296556, ClinGen allele CA2174236.

ClinVar aggregate classification (germline): Uncertain significance. Review status: criteria provided, multiple submitters, no conflicts (2 of 4 stars). 5 submissions from 4 submitters: Uncertain significance (5). Last evaluated 2025-12-31.

Conditions:
Retinitis pigmentosa (RP). Identifiers: Orphanet 791, MedGen C0035334, MeSH D012174, MONDO:0019200, OMIM 268000. Inheritance: Autosomal dominant, autosomal recessive and X linked inheritance.
SAG-related disorder. Also called: SAG-related condition; SAG-related disorders.
Oguchi disease. Also called: Oguchi's disease. Identifiers: Orphanet 75382, MedGen C1306122, MONDO:0019152.

Allele frequency attached by ClinVar (database versions not stated): gnomAD 0.00005 and 0.00007; gnomAD exomes 0.00009 and 0.00010; TOPMed 0.00009; ExAC 0.00011; ESP Exome Variant Server 0.00032.
gnomAD v4.1: 168 of 1,613,838 alleles (0.01%); highest among the groups gnomAD compares: Non-Finnish European, 0.013%; 1 homozygote.

Submissions (5):

PreventionGenetics, part of Exact Sciences
Classification: Uncertain significance for SAG-related condition. Last evaluated: 2025-12-31. Review status: criteria provided, single submitter. Criteria: ACMG Guidelines, 2015. Collection method: clinical testing. Allele origin: germline.
Comment: The SAG c.154G>C variant is predicted to result in the amino acid substitution p.Asp52His. To our knowledge, this variant has not been reported in the literature. This variant is reported in 0.019% of alleles in individuals of European (Non-Finnish) descent in gnomAD. At this time, the clinical significance of this variant is uncertain due to the absence of conclusive functional and genetic evidence.

Labcorp Genetics (formerly Invitae), Labcorp
Classification: Uncertain significance. Last evaluated: 2025-03-10. Review status: criteria provided, single submitter. Criteria: Invitae Variant Classification Sherloc (09022015). Collection method: clinical testing. Allele origin: germline.
Comment: This sequence change replaces aspartic acid, which is acidic and polar, with histidine, which is basic and polar, at codon 52 of the SAG protein (p.Asp52His). This variant is present in population databases (rs200296556, gnomAD 0.02%), including at least one homozygous and/or hemizygous individual. This variant has not been reported in the literature in individuals affected with SAG-related conditions. ClinVar contains an entry for this variant (Variation ID: 837117). Invitae Evidence Modeling of protein sequence and biophysical properties (such as structural, functional, and spatial information, amino acid conservation, physicochemical variation, residue mobility, and thermodynamic stability) indicates that this missense variant is expected to disrupt SAG protein function with a positive predictive value of 80%. In summary, the available evidence is currently insufficient to determine the role of this variant in disease. Therefore, it has been classified as a Variant of Uncertain Significance.

Blueprint Genetics
Classification: Uncertain significance. Last evaluated: 2024-07-17. Review status: criteria provided, single submitter. Criteria: ACMG Guidelines, 2015. Collection method: clinical testing. Allele origin: germline.

Illumina Laboratory Services, Illumina
Classification: Uncertain significance for Oguchi disease-1. Last evaluated: 2017-04-27. Review status: criteria provided, single submitter. Criteria: ICSL Variant Classification Criteria 13 December 2019. Collection method: clinical testing. Allele origin: germline.

Illumina Laboratory Services, Illumina
Classification: Uncertain significance for Retinitis pigmentosa. Last evaluated: 2017-04-27. Review status: criteria provided, single submitter. Criteria: ICSL Variant Classification Criteria 13 December 2019. Collection method: clinical testing. Allele origin: germline.